The following is an entry in ClinVar:

NM_024642.5(GALNT12):c.483G>C (p.Glu161Asp)

Gene: GALNT12 (polypeptide N-acetylgalactosaminyltransferase 12; plus strand). Cytogenetic location: 9q22.33.
Variant type: single nucleotide variant.
Coding change: c.483G>C on transcript NM_024642.5 (MANE Select); coding-DNA position 483, G replaced by C.
Protein change: p.Glu161Asp; replaces glutamic acid 161 with aspartic acid.
Molecular consequence: missense variant.
Genome position (GRCh38, 1-based): chr9:98,823,367, G>C. VCF-style: chr9-98823367-G-C. GRCh37 (hg19) VCF-style: chr9-101585649-G-C.
Other names: short protein forms E161D.
Identifiers: ClinVar variation 3852662 (VCV003852662.1).

ClinVar aggregate classification (germline): Uncertain significance (1 of 4 stars; one submission).

Submission:

Ambry Genetics
Classification: Uncertain significance. Last evaluated: 2025-01-05. Review status: criteria provided, single submitter. Criteria: Ambry Variant Classification Scheme 2023. Collection method: clinical testing. Allele origin: germline.
Comment: The p.E161D variant (also known as c.483G>C), located in coding exon 2 of the GALNT12 gene, results from a G to C substitution at nucleotide position 483. The glutamic acid at codon 161 is replaced by aspartic acid, an amino acid with highly similar properties. This amino acid position is conserved. In addition, the in silico prediction for this alteration is inconclusive. Based on the available evidence, the clinical significance of this variant remains unclear.